The following is an entry in ClinVar:

NM_006329.4(FBLN5):c.1116C>A (p.Thr372=)

Gene: FBLN5 (fibulin 5; minus strand). Cytogenetic location: 14q32.12.
Variant type: single nucleotide variant.
Coding change: c.1116C>A on transcript NM_006329.4 (MANE Select); coding-DNA position 1116, C replaced by A.
Protein change: p.Thr372=; no amino-acid change (threonine 372 retained).
Molecular consequence: synonymous variant.
Genome position (GRCh38, 1-based): chr14:91,877,556, G>T on the plus strand (C>A on the coding strand, the complement: FBLN5 is on the minus strand). VCF-style: chr14-91877556-G-T. GRCh37 (hg19) VCF-style: chr14-92343900-G-T.
Other names: c.1239C>A, p.Thr413= (NM_001384158.1); c.1167C>A, p.Thr389= (NM_001384159.1); c.1116C>A, p.Thr372= (NM_001384160.1); c.948C>A, p.Thr316= (NM_001384161.1, NM_001384162.1).
Identifiers: ClinVar variation 515543 (VCV000515543.5), dbSNP rs764602827, ClinGen allele CA7312617.

ClinVar aggregate classification (germline): Likely benign. Review status: criteria provided, multiple submitters, no conflicts (2 of 4 stars). 2 submissions from 2 submitters: Likely benign (2). Last evaluated 2025-11-25.

Allele frequency attached by ClinVar (database versions not stated): gnomAD 0.00001; TOPMed 0.00003; ExAC 0.00007; gnomAD exomes 0.00007.
gnomAD v4.1: 20 of 1,614,046 alleles (0.0012%); highest among the groups gnomAD compares: Admixed American, 0.032%; no homozygotes.

Submissions (2):

Labcorp Genetics (formerly Invitae), Labcorp
Classification: Likely benign. Last evaluated: 2025-11-25. Review status: criteria provided, single submitter. Criteria: Invitae Variant Classification Sherloc (09022015). Collection method: clinical testing. Allele origin: germline.

GeneDx
Classification: Likely benign. Last evaluated: 2018-02-23. Review status: criteria provided, single submitter. Criteria: GeneDx Variant Classification (06012015). Collection method: clinical testing. Allele origin: germline. Affected: yes.
Comment: This variant is considered likely benign or benign based on one or more of the following criteria: it is a conservative change, it occurs at a poorly conserved position in the protein, it is predicted to be benign by multiple in silico algorithms, and/or has population frequency not consistent with disease.